The following is an entry in ClinVar:

ClinVar aggregate classification (germline): Uncertain significance. Review status: criteria provided, multiple submitters, no conflicts (2 of 4 stars). 2 submissions from 2 submitters: Uncertain significance (2). Last evaluated 2022-11-01.

Conditions:
Sneddon syndrome (SNDNS). Also called: LIVEDO RETICULARIS AND CEREBROVASCULAR ACCIDENTS; Idiopathic livedo reticularis with systemic involvement. Identifiers: Orphanet 820, MedGen C0282492, MONDO:0008436, OMIM 182410.
Deficiency of adenosine deaminase 2. Also called: Polyarteritis nodosa, childhoood-onset; Adenosine Deaminase 2 Deficiency; VASCULITIS, AUTOINFLAMMATION, IMMUNODEFICIENCY, AND HEMATOLOGIC DEFECTS SYNDROME. Identifiers: Orphanet 404553, MedGen C3887654, MONDO:0014306, OMIM 615688, MONDO:0100317.

Allele frequency attached by ClinVar (database versions not stated): gnomAD exomes below 0.00001 and 0.00001; ExAC 0.00001.
gnomAD v4.1: 2 of 1,613,956 alleles (0.00012%); highest among the groups gnomAD compares: Admixed American, 0.0033%; no homozygotes.

Submissions (2):

Labcorp Genetics (formerly Invitae), Labcorp
Classification: Uncertain significance for Deficiency of adenosine deaminase 2. Last evaluated: 2022-11-01. Review status: criteria provided, single submitter. Criteria: Invitae Variant Classification Sherloc (09022015). Collection method: clinical testing. Allele origin: germline.
Comment: This variant has not been reported in the literature in individuals affected with ADA2-related conditions. ClinVar contains an entry for this variant (Variation ID: 1439587). Advanced modeling of protein sequence and biophysical properties (such as structural, functional, and spatial information, amino acid conservation, physicochemical variation, residue mobility, and thermodynamic stability) performed at Invitae indicates that this missense variant is expected to disrupt ADA2 protein function. Algorithms developed to predict the effect of sequence changes on RNA splicing suggest that this variant may create or strengthen a splice site. In summary, the available evidence is currently insufficient to determine the role of this variant in disease. Therefore, it has been classified as a Variant of Uncertain Significance. This variant is present in population databases (rs766924184, gnomAD 0.006%). This sequence change replaces glycine, which is neutral and non-polar, with valine, which is neutral and non-polar, at codon 216 of the ADA2 protein (p.Gly216Val).

Fulgent Genetics
Classification: Uncertain significance for Sneddon syndrome; Deficiency of adenosine deaminase 2. Last evaluated: 2022-05-25. Review status: criteria provided, single submitter. Criteria: ACMG Guidelines, 2015. Collection method: clinical testing. Allele origin: unknown.

NM_001282225.2(ADA2):c.647G>T (p.Gly216Val)

Gene: ADA2 (adenosine deaminase 2; minus strand). Cytogenetic location: 22q11.1.
Variant type: single nucleotide variant.
Coding change: c.647G>T on transcript NM_001282225.2 (MANE Select); coding-DNA position 647, G replaced by T.
Protein change: p.Gly216Val; replaces glycine 216 with valine.
Molecular consequence: missense variant.
Genome position (GRCh38, 1-based): chr22:17,203,669, C>A on the plus strand (G>T on the coding strand, the complement: ADA2 is on the minus strand). VCF-style: chr22-17203669-C-A. GRCh37 (hg19) VCF-style: chr22-17684559-C-A.
Other names: c.647G>T, p.Gly216Val (NM_001282226.2); c.521G>T, p.Gly174Val (NM_001282227.2, NM_001282228.2); c.287G>T, p.Gly96Val (NM_001282229.2); short protein forms G96V, G174V, G216V.
Identifiers: ClinVar variation 1439587 (VCV001439587.7), dbSNP rs766924184, ClinGen allele CA10088166.